The following is an entry in ClinVar:

NM_020693.4(DSCAML1):c.450T>G (p.Ser150=)

Gene: DSCAML1 (DS cell adhesion molecule like 1; minus strand). Cytogenetic location: 11q23.3.
Variant type: single nucleotide variant.
Coding change: c.450T>G on transcript NM_020693.4 (MANE Select); coding-DNA position 450, T replaced by G.
Protein change: p.Ser150=; no amino-acid change (serine 150 retained).
Molecular consequence: synonymous variant.
Genome position (GRCh38, 1-based): chr11:117,776,852, A>C on the plus strand (T>G on the coding strand, the complement: DSCAML1 is on the minus strand). VCF-style: chr11-117776852-A-C. GRCh37 (hg19) VCF-style: chr11-117647567-A-C.
Other names: c.450T>G, p.Ser150= (NM_001367904.1); c.42T>G, p.Ser14= (NM_001367905.1); c.630T>G (NM_020693.3).
Identifiers: ClinVar variation 2908623 (VCV002908623.4), dbSNP rs943713716, ClinGen allele CA229402695.
Genomic context (GRCh38, chr11:117,776,852, plus strand): 5'-TGGGATGATGGAGACTGTGTCTTTCTCCCAAGATACAACGCTAACATATTCCTGCACTGA[A>C]GAGGGGATGAGGCACTTGAAGACGGCCACGTTGCCACGCATTGACCTTTGATCCTCCACC-3'
Protein context (NP_065744.3, residues 140-160): NVAVFKCLIP[Ser150=]SVQEYVSVVS

ClinVar aggregate classification (germline): Likely benign. Review status: criteria provided, multiple submitters, no conflicts (2 of 4 stars). 2 submissions from 2 submitters: Likely benign (2). Last evaluated 2025-05-15.

Conditions:
DSCAML1-related disorder. Also called: DSCAML1-related condition.

Allele frequency attached by ClinVar (database versions not stated): gnomAD 0.00001; gnomAD exomes 0.00001; TOPMed 0.00002.
gnomAD v4.1: 15 of 1,614,058 alleles (0.00093%); highest among the groups gnomAD compares: Admixed American, 0.0033%; no homozygotes.

Submissions (2):

PreventionGenetics, part of Exact Sciences
Classification: Likely benign for DSCAML1-related condition. Last evaluated: 2025-05-15. Review status: criteria provided, single submitter. Criteria: ACMG Guidelines, 2015. Collection method: clinical testing. Allele origin: germline.
Comment: This variant is classified as likely benign based on ACMG/AMP sequence variant interpretation guidelines (Richards et al. 2015 PMID: 25741868, with internal and published modifications).

Labcorp Genetics (formerly Invitae), Labcorp
Classification: Likely benign. Last evaluated: 2022-11-23. Review status: criteria provided, single submitter. Criteria: Invitae Variant Classification Sherloc (09022015). Collection method: clinical testing. Allele origin: germline.